The following is an entry in ClinVar:

NM_004655.4(AXIN2):c.1450G>A (p.Gly484Ser)

Gene: AXIN2 (axin 2; minus strand). Cytogenetic location: 17q24.1.
Variant type: single nucleotide variant.
Coding change: c.1450G>A on transcript NM_004655.4 (MANE Select); coding-DNA position 1450, G replaced by A.
Protein change: p.Gly484Ser; replaces glycine 484 with serine.
Molecular consequence: missense variant.
Genome position (GRCh38, 1-based): chr17:65,537,586, C>T on the plus strand (G>A on the coding strand, the complement: AXIN2 is on the minus strand). VCF-style: chr17-65537586-C-T. GRCh37 (hg19) VCF-style: chr17-63533704-C-T.
Other names: c.1450G>A (LRG_296t1); c.1450G>A, p.Gly484Ser (NM_001363813.1); short protein forms G484S.
Identifiers: ClinVar variation 408774 (VCV000408774.26), dbSNP rs371446806, ClinGen allele CA8718643.
Genomic context (GRCh38, chr17:65,537,586, plus strand): 5'-CTTTGCCCCCGAGGAGGGGGCAGGCGCCCGGCGAGGCGGCCGCGGGAGGCAGCTTGCCAC[C>T]GGGCGGGAGCAGGGAGTGGTACTGCGAATGGTGGTGGTGGTGGTGGTCCGGGGAGCGGGA-3'
Protein context (NP_004646.3, residues 474-494): HSQYHSLLPP[Gly484Ser]GKLPPAAASP

ClinVar aggregate classification (germline): Uncertain significance. Review status: criteria provided, multiple submitters, no conflicts (2 of 4 stars). 10 submissions from 10 submitters: Uncertain significance (10). Last evaluated 2025-09-15.

Conditions:
AXIN2-related disorder.
Colorectal cancer. Also called: Colorectal cancer, somatic; Malignant Colorectal Neoplasm. Identifiers: MedGen C0346629, MONDO:0005575, OMIM 114500.
Hereditary cancer-predisposing syndrome. Also called: Neoplastic Syndromes, Hereditary; Tumor predisposition; Hereditary Cancer Syndrome; Hereditary neoplastic syndrome. Identifiers: Orphanet 140162, MedGen C0027672, MeSH D009386, MONDO:0015356.
Oligodontia-cancer predisposition syndrome. Also called: TOOTH AGENESIS-COLORECTAL CANCER SYNDROME. Identifiers: Orphanet 300576, MedGen C1837750, MONDO:0012075, OMIM 608615. Disease mechanism: loss of function.

Allele frequency attached by ClinVar (database versions not stated): ExAC 0.00001; gnomAD exomes 0.00001; gnomAD 0.00005; TOPMed 0.00005; ESP Exome Variant Server 0.00008.
gnomAD v4.1: 14 of 1,606,776 alleles (0.00087%); highest among the groups gnomAD compares: African/African-American, 0.013%; no homozygotes.

Submissions (10):

Labcorp Genetics (formerly Invitae), Labcorp
Classification: Uncertain significance for Oligodontia-cancer predisposition syndrome. Last evaluated: 2025-09-15. Review status: criteria provided, single submitter. Criteria: Invitae Variant Classification Sherloc (09022015). Collection method: clinical testing. Allele origin: germline.
Comment: This sequence change replaces glycine, which is neutral and non-polar, with serine, which is neutral and polar, at codon 484 of the AXIN2 protein (p.Gly484Ser). The frequency data for this variant in the population databases is considered unreliable, as metrics indicate poor data quality at this position in the gnomAD database. This variant has not been reported in the literature in individuals affected with AXIN2-related conditions. ClinVar contains an entry for this variant (Variation ID: 408774). Invitae Evidence Modeling of protein sequence and biophysical properties (such as structural, functional, and spatial information, amino acid conservation, physicochemical variation, residue mobility, and thermodynamic stability) indicates that this missense variant is not expected to disrupt AXIN2 protein function with a negative predictive value of 80%. RNA analysis performed to evaluate the impact of this missense change on mRNA splicing indicates it does not significantly alter splicing (internal data). In summary, the available evidence is currently insufficient to determine the role of this variant in disease. Therefore, it has been classified as a Variant of Uncertain Significance.

PreventionGenetics, part of Exact Sciences
Classification: Uncertain significance for AXIN2-related condition. Last evaluated: 2025-08-16. Review status: criteria provided, single submitter. Criteria: ACMG Guidelines, 2015. Collection method: clinical testing. Allele origin: germline.
Comment: The AXIN2 c.1450G>A variant is predicted to result in the amino acid substitution p.Gly484Ser. To our knowledge, this variant has not been reported in the literature. This variant is reported in 0.0084% of alleles in individuals of African descent in gnomAD. This variant is interpreted in ClinVar as a variant of uncertain significance (Variation ID: 408774). At this time, the clinical significance of this variant is uncertain due to the absence of conclusive functional and genetic evidence.

Center for Genomic Medicine, Rigshospitalet, Copenhagen University Hospital
Classification: Uncertain significance. Last evaluated: 2025-03-04. Review status: criteria provided, single submitter. Criteria: ACMG Guidelines, 2015. Collection method: clinical testing. Allele origin: germline.

Ambry Genetics
Classification: Uncertain significance for Hereditary cancer-predisposing syndrome. Last evaluated: 2024-09-12. Review status: criteria provided, single submitter. Criteria: Ambry Variant Classification Scheme 2023. Collection method: clinical testing. Allele origin: germline.
Comment: The p.G484S variant (also known as c.1450G>A), located in coding exon 5 of the AXIN2 gene, results from a G to A substitution at nucleotide position 1450. The glycine at codon 484 is replaced by serine, an amino acid with similar properties. This amino acid position is not well conserved in available vertebrate species. In addition, this alteration is predicted to be tolerated by in silico analysis. Since supporting evidence is limited at this time, the clinical significance of this alteration remains unclear.

Quest Diagnostics Nichols Institute San Juan Capistrano
Classification: Uncertain significance. Last evaluated: 2024-05-01. Review status: criteria provided, single submitter. Criteria: Quest Diagnostics criteria. Collection method: clinical testing. Allele origin: unknown.
Comment: The AXIN2 c.1450G>A (p.Gly484Ser) variant has not been reported in individuals with AXIN2-related conditions in the published literature. The frequency of this variant in the general population, 0.0000075 (2/267070 chromosomes (Genome Aggregation Database)), is uninformative in the assessment of its pathogenicity. Analysis of this variant using bioinformatics tools for the prediction of the effect of amino acid changes on protein structure and function yielded predictions that this variant is benign. Based on the available information, we are unable to determine the clinical significance of this variant.

Baylor Genetics
Classification: Uncertain significance for Colorectal cancer. Last evaluated: 2024-01-02. Review status: criteria provided, single submitter. Criteria: ACMG Guidelines, 2015. Collection method: clinical testing. Allele origin: unknown.

GeneDx
Classification: Uncertain significance. Last evaluated: 2023-12-20. Review status: criteria provided, single submitter. Criteria: GeneDx Variant Classification Process June 2021. Collection method: clinical testing. Allele origin: germline. Affected: yes.
Comment: In silico analysis supports that this missense variant does not alter protein structure/function; Has not been previously published as pathogenic or benign to our knowledge

Sema4
Classification: Uncertain significance for Hereditary cancer-predisposing syndrome. Last evaluated: 2021-08-18. Review status: criteria provided, single submitter. Criteria: Sema4 Curation Guidelines. Collection method: curation. Allele origin: germline.
Comment: To the best of our knowledge, the AXIN2 c.1450G>A (p.G484S) variant has not been reported in individuals with AXIN2-related disease. It was observed in 2/23738 chromosomes in the African population according to the Genome Aggregation Database (PMID: 32461654). This variant has been reported in ClinVar (Variation ID: 408774). Functional studies have not been performed, and in silico predictions of the variant's effect on protein function are inconclusive. Based on the current evidence available, this variant is interpreted as a variant of uncertain significance.

Women's Health and Genetics/Laboratory Corporation of America, LabCorp
Classification: Uncertain significance. Last evaluated: 2018-04-06. Review status: criteria provided, single submitter. Criteria: LabCorp Variant Classification Summary - May 2015. Collection method: clinical testing. Allele origin: germline.
Comment: Variant summary: AXIN2 c.1450G>A (p.Gly484Ser) results in a non-conservative amino acid change in the encoded protein sequence. Four of five in-silico tools predict a benign effect of the variant on protein function. The variant was observed with an allele frequency of 6.5e-05 in 30822 control chromosomes (gnomAD). This frequency is not significantly higher than expected for a pathogenic variant in AXIN2 causing Colorectal Cancer (6.5e-05 vs 0.00014), allowing no conclusion about variant significance. To our knowledge, no occurrence of c.1450G>A in individuals affected with Colorectal Cancer and no experimental evidence demonstrating its impact on protein function have been reported. A ClinVar submission from a clinical diagnostic laboratory (evaluation after 2014) cites the variant as "uncertain significance." Based on the evidence outlined above, the variant was classified as uncertain significance.

Breakthrough Genomics
Classification: Uncertain significance. Review status: criteria provided, single submitter. Criteria: ACMG Guidelines, 2015. Collection method: not provided. Allele origin: germline. Inheritance: Autosomal recessive inheritance. Affected: yes.